The following is an entry in ClinVar:

ClinVar aggregate classification (germline): Uncertain significance (1 of 4 stars; one submission).

Allele frequency attached by ClinVar (database versions not stated): gnomAD 0.00001.

Submission:

Labcorp Genetics (formerly Invitae), Labcorp
Classification: Uncertain significance. Last evaluated: 2022-03-05. Review status: criteria provided, single submitter. Criteria: Invitae Variant Classification Sherloc (09022015). Collection method: clinical testing. Allele origin: germline.
Comment: This variant is not present in population databases (gnomAD no frequency). This sequence change replaces glutamic acid, which is acidic and polar, with glutamine, which is neutral and polar, at codon 186 of the DEF6 protein (p.Glu186Gln). This variant has not been reported in the literature in individuals affected with DEF6-related conditions. Algorithms developed to predict the effect of missense changes on protein structure and function (SIFT, PolyPhen-2, Align-GVGD) all suggest that this variant is likely to be tolerated. In summary, the available evidence is currently insufficient to determine the role of this variant in disease. Therefore, it has been classified as a Variant of Uncertain Significance.

NM_022047.4(DEF6):c.556G>C (p.Glu186Gln)

Gene: DEF6 (DEF6 guanine nucleotide exchange factor; plus strand). Cytogenetic location: 6p21.31.
Variant type: single nucleotide variant.
Coding change: c.556G>C on transcript NM_022047.4 (MANE Select); coding-DNA position 556, G replaced by C.
Protein change: p.Glu186Gln; replaces glutamic acid 186 with glutamine.
Molecular consequence: missense variant.
Genome position (GRCh38, 1-based): chr6:35,312,434, G>C. VCF-style: chr6-35312434-G-C. GRCh37 (hg19) VCF-style: chr6-35280211-G-C.
Other names: short protein forms E186Q.
Identifiers: ClinVar variation 2103065 (VCV002103065.4), dbSNP rs1791479973, ClinGen allele CA363763285.